The following is an entry in ClinVar:

ClinVar aggregate classification (germline): Uncertain significance (1 of 4 stars; one submission).

Submission:

Labcorp Genetics (formerly Invitae), Labcorp
Classification: Uncertain significance. Last evaluated: 2023-08-03. Review status: criteria provided, single submitter. Criteria: Invitae Variant Classification Sherloc (09022015). Collection method: clinical testing. Allele origin: germline.
Comment: In summary, the available evidence is currently insufficient to determine the role of this variant in disease. Therefore, it has been classified as a Variant of Uncertain Significance. Advanced modeling of protein sequence and biophysical properties (such as structural, functional, and spatial information, amino acid conservation, physicochemical variation, residue mobility, and thermodynamic stability) has been performed at Invitae for this missense variant, however the output from this modeling did not meet the statistical confidence thresholds required to predict the impact of this variant on NTRK2 protein function. This variant has not been reported in the literature in individuals affected with NTRK2-related conditions. This variant is not present in population databases (gnomAD no frequency). This sequence change replaces glycine, which is neutral and non-polar, with serine, which is neutral and polar, at codon 344 of the NTRK2 protein (p.Gly344Ser).

NM_006180.6(NTRK2):c.1030G>A (p.Gly344Ser)

Gene: NTRK2 (neurotrophic receptor tyrosine kinase 2; plus strand). Cytogenetic location: 9q21.33.
Variant type: single nucleotide variant.
Coding change: c.1030G>A on transcript NM_006180.6 (MANE Select); coding-DNA position 1030, G replaced by A.
Protein change: p.Gly344Ser; replaces glycine 344 with serine.
Molecular consequence: missense variant.
Genome position (GRCh38, 1-based): chr9:84,727,830, G>A. VCF-style: chr9-84727830-G-A. GRCh37 (hg19) VCF-style: chr9-87342745-G-A.
Other names: c.1030G>A, p.Gly344Ser (NM_001007097.3, NM_001018064.3, NM_001018065.2 and 17 more transcripts); c.991G>A, p.Gly331Ser (NM_001291937.2, NM_001369546.1); c.562G>A, p.Gly188Ser (NM_001369535.1, NM_001369536.1, NM_001369550.1 and 2 more transcripts); short protein forms G344S, G331S, G188S.
Identifiers: ClinVar variation 2749896 (VCV002749896.3), dbSNP rs2132080768, ClinGen allele CA374008767.
Genomic context (GRCh38, chr9:84,727,830, plus strand): 5'-TTGAATGAGTCCAAATACATCTGTACTAAAATACATGTTACCAATCACACGGAGTACCAC[G>A]GCTGCCTCCAGCTGGATAATCCCACTCACATGAACAATGGGGACTACACTCTAATAGCCA-3'
Protein context (NP_006171.2, residues 334-354): IHVTNHTEYH[Gly344Ser]CLQLDNPTHM